The following is an entry in ClinVar:

ClinVar aggregate classification (germline): Likely benign. Review status: criteria provided, multiple submitters, no conflicts (2 of 4 stars). 4 submissions from 4 submitters: Likely benign (4). Last evaluated 2025-12-21.

Conditions:
Cerebral creatine deficiency syndrome. Also called: Creatine deficiency syndromes. Identifiers: Orphanet 79172, MedGen C5244016, MONDO:0000456.

Allele frequency attached by ClinVar (database versions not stated): TOPMed 0.00003; gnomAD 0.00004; 1000 Genomes Project 30x 0.00016; 1000 Genomes Project 0.00020.
gnomAD v4.1: 31 of 1,613,606 alleles (0.0019%); highest among the groups gnomAD compares: Middle Eastern, 0.033%; no homozygotes.

Submissions (4):

Labcorp Genetics (formerly Invitae), Labcorp
Classification: Likely benign for Cerebral creatine deficiency syndrome. Last evaluated: 2025-12-21. Review status: criteria provided, single submitter. Criteria: Invitae Variant Classification Sherloc (09022015). Collection method: clinical testing. Allele origin: germline.

CeGaT Center for Human Genetics Tuebingen
Classification: Likely benign. Last evaluated: 2025-11-01. Review status: criteria provided, single submitter. Criteria: CeGaT Center For Human Genetics Tuebingen Variant Classification Criteria Version 2. Collection method: clinical testing. Allele origin: germline. Affected: yes. Observed: 1 variant allele.
Comment: GAMT: BP4, BP7

Blueprint Genetics
Classification: Likely benign. Last evaluated: 2024-10-22. Review status: criteria provided, single submitter. Criteria: ACMG Guidelines, 2015. Collection method: clinical testing. Allele origin: germline.

GeneDx
Classification: Likely benign. Last evaluated: 2017-09-14. Review status: criteria provided, single submitter. Criteria: GeneDx Variant Classification (06012015). Collection method: clinical testing. Allele origin: germline. Affected: yes.
Comment: This variant is considered likely benign or benign based on one or more of the following criteria: it is a conservative change, it occurs at a poorly conserved position in the protein, it is predicted to be benign by multiple in silico algorithms, and/or has population frequency not consistent with disease.

NM_000156.6(GAMT):c.402C>T (p.Tyr134=)

Gene: GAMT (guanidinoacetate N-methyltransferase; minus strand). Cytogenetic location: 19p13.3.
Variant type: single nucleotide variant.
Coding change: c.402C>T on transcript NM_000156.6 (MANE Select); coding-DNA position 402, C replaced by T.
Protein change: p.Tyr134=; no amino-acid change (tyrosine 134 retained).
Molecular consequence: synonymous variant.
Genome position (GRCh38, 1-based): chr19:1,399,185, G>A on the plus strand (C>T on the coding strand, the complement: GAMT is on the minus strand). VCF-style: chr19-1399185-G-A. GRCh37 (hg19) VCF-style: chr19-1399184-G-A.
Other names: c.402C>T, p.Tyr134= (NM_138924.3).
Identifiers: ClinVar variation 512004 (VCV000512004.17), dbSNP rs556829801, ClinGen allele CA9043672.